The following is an entry in ClinVar:

NM_000312.4(PROC):c.400+13G>A

Gene: PROC (protein C, inactivator of coagulation factors Va and VIIIa; plus strand). Cytogenetic location: 2q14.3.
Variant type: single nucleotide variant.
Coding change: c.400+13G>A on transcript NM_000312.4 (MANE Select); 13 bases into the intron after coding-DNA position 400, G replaced by A.
Molecular consequence: intron variant. On other transcripts: missense variant (4).
Genome position (GRCh38, 1-based): chr2:127,423,184, G>A. VCF-style: chr2-127423184-G-A. GRCh37 (hg19) VCF-style: chr2-128180760-G-A.
Other names: c.476G>A, p.Arg159Lys (NM_001375603.1); c.413G>A, p.Arg138Lys (NM_001375605.1); c.568G>A, p.Glu190Lys (NM_001375606.1); c.497G>A, p.Arg166Lys (NM_001375607.1); c.400+13G>A (NM_001375611.1, NM_001375608.1, NM_001375613.1); c.583+13G>A (NM_001375602.1); c.394+13G>A (NM_001375610.1); c.463+13G>A (NM_001375604.1); and 1 more; short protein forms E190K, R138K, R159K, R166K.
Identifiers: ClinVar variation 331104 (VCV000331104.14), dbSNP rs116738363, ClinGen allele CA1859331.

ClinVar aggregate classification (germline): Benign. Review status: criteria provided, multiple submitters, no conflicts (2 of 4 stars). 4 submissions from 4 submitters: Benign (4). Last evaluated 2026-02-02.

Conditions:
Thrombophilia due to protein C deficiency, autosomal dominant. Also called: PROC DEFICIENCY, AUTOSOMAL DOMINANT; PROTEIN C DEFICIENCY, AUTOSOMAL DOMINANT. Identifiers: Orphanet 745, MedGen C2674321, MONDO:0008316, OMIM 176860. Disease mechanism: loss of function.
Thrombophilia due to protein C deficiency, autosomal recessive. Also called: PROC DEFICIENCY, AUTOSOMAL RECESSIVE; PROTEIN C DEFICIENCY, AUTOSOMAL RECESSIVE. Identifiers: Orphanet 745, MedGen C2676759, MONDO:0012860, OMIM 612304.

Allele frequency attached by ClinVar (database versions not stated): gnomAD exomes 0.00109 and 0.00256; ExAC 0.00373; 1000 Genomes Project 0.01098; gnomAD 0.01131 and 0.01228; 1000 Genomes Project 30x 0.01156; TOPMed 0.01256.
gnomAD v4.1: 3,292 of 1,550,370 alleles (0.21%); highest among the groups gnomAD compares: African/African-American, 4%; 57 homozygotes.

Submissions (4):

Labcorp Genetics (formerly Invitae), Labcorp
Classification: Benign for Thrombophilia due to protein C deficiency, autosomal dominant. Last evaluated: 2026-02-02. Review status: criteria provided, single submitter. Criteria: Invitae Variant Classification Sherloc (09022015). Collection method: clinical testing. Allele origin: germline.

Fulgent Genetics
Classification: Benign for Thrombophilia due to protein C deficiency, autosomal dominant; Thrombophilia due to protein C deficiency, autosomal recessive. Last evaluated: 2021-08-12. Review status: criteria provided, single submitter. Criteria: ACMG Guidelines, 2015. Collection method: clinical testing. Allele origin: unknown.

Illumina Laboratory Services, Illumina
Classification: Benign for Thrombophilia due to protein C deficiency, autosomal dominant. Last evaluated: 2018-01-12. Review status: criteria provided, single submitter. Criteria: ICSL Variant Classification Criteria 13 December 2019. Collection method: clinical testing. Allele origin: germline.
Comment: This variant was observed in the ICSL laboratory as part of a predisposition screen in an ostensibly healthy population. It had not been previously curated by ICSL or reported in the Human Gene Mutation Database (HGMD: prior to June 1st, 2018), and was therefore a candidate for classification through an automated scoring system. Utilizing variant allele frequency, disease prevalence and penetrance estimates, and inheritance mode, an automated score was calculated to assess if this variant is too frequent to cause the disease. Based on the score and internal cut-off values, a variant classified as benign is not then subjected to further curation. The score for this variant resulted in a classification of benign for this disease.

Breakthrough Genomics
Classification: Benign. Review status: criteria provided, single submitter. Criteria: ACMG Guidelines, 2015. Collection method: not provided. Allele origin: germline. Inheritance: Autosomal recessive inheritance. Affected: yes.